The following is an entry in ClinVar:

ClinVar aggregate classification (germline): Uncertain significance (1 of 4 stars; one submission).

Conditions:
Cardiovascular phenotype. Identifiers: MedGen CN230736.

Submission:

Ambry Genetics
Classification: Uncertain significance for Cardiovascular phenotype. Last evaluated: 2026-02-19. Review status: criteria provided, single submitter. Criteria: Ambry Variant Classification Scheme 2023. Collection method: clinical testing. Allele origin: germline.
Comment: The p.L1031R variant (also known as c.3092T>G), located in coding exon 46 of the COL1A2 gene, results from a T to G substitution at nucleotide position 3092. The leucine at codon 1031 is replaced by arginine, an amino acid with dissimilar properties. This amino acid position is conserved. In addition, this alteration is predicted to be deleterious by in silico analysis. Based on the available evidence, the clinical significance of this variant remains unclear.

NM_000089.4(COL1A2):c.3092T>G (p.Leu1031Arg)

Gene: COL1A2 (collagen type I alpha 2 chain; plus strand). Cytogenetic location: 7q21.3.
Variant type: single nucleotide variant.
Coding change: c.3092T>G on transcript NM_000089.4 (MANE Select); coding-DNA position 3092, T replaced by G.
Protein change: p.Leu1031Arg; replaces leucine 1031 with arginine.
Molecular consequence: missense variant.
Genome position (GRCh38, 1-based): chr7:94,426,517, T>G. VCF-style: chr7-94426517-T-G. GRCh37 (hg19) VCF-style: chr7-94055829-T-G.
Other names: short protein forms L1031R.
Identifiers: ClinVar variation 4843200 (VCV004843200.1).